The following is an entry in ClinVar:

ClinVar aggregate classification (germline): Uncertain significance. Review status: criteria provided, multiple submitters, no conflicts (2 of 4 stars). 2 submissions from 2 submitters: Uncertain significance (2). Last evaluated 2025-07-15.

Conditions:
Primary dilated cardiomyopathy (DCM). Also called: Dilated Cardiomyopathy. Identifiers: Orphanet 217604, MedGen C0007193, MeSH D002311, MONDO:0005021, HP:0001644. Inheritance: Various modes of inheritance.
Hypertrophic cardiomyopathy. Also called: HYPERTROPHIC MYOCARDIOPATHY. Identifiers: Orphanet 217569, MedGen C0007194, MeSH D002312, MONDO:0005045, HP:0001639.

Allele frequency attached by ClinVar (database versions not stated): TOPMed below 0.00001; gnomAD 0.00001; gnomAD exomes 0.00001.
gnomAD v4.1: 5 of 1,613,674 alleles (0.00031%); highest among the groups gnomAD compares: Non-Finnish European, 0.00034%; no homozygotes.

Submissions (2):

Ambry Genetics
Classification: Uncertain significance. Last evaluated: 2025-07-15. Review status: criteria provided, single submitter. Criteria: Ambry Variant Classification Scheme 2023. Collection method: clinical testing. Allele origin: germline.
Comment: The p.V260M variant (also known as c.778G>A), located in coding exon 6 of the PDLIM3 gene, results from a G to A substitution at nucleotide position 778. The valine at codon 260 is replaced by methionine, an amino acid with highly similar properties. This amino acid position is conserved. In addition, this alteration is predicted to be tolerated by in silico analysis. Since supporting evidence is limited at this time, the clinical significance of this alteration remains unclear.

Labcorp Genetics (formerly Invitae), Labcorp
Classification: Uncertain significance for Hypertrophic cardiomyopathy; Primary dilated cardiomyopathy. Last evaluated: 2021-01-16. Review status: criteria provided, single submitter. Criteria: Invitae Variant Classification Sherloc (09022015). Collection method: clinical testing. Allele origin: germline.
Comment: In summary, this is a novel missense change with uncertain impact on protein function. It has been classified as a Variant of Uncertain Significance. Algorithms developed to predict the effect of missense changes on protein structure and function do not agree on the potential impact of this missense change (SIFT: "Deleterious"; PolyPhen-2: "Benign"; Align-GVGD: "Class C15"). This variant is not present in population databases (ExAC no frequency) and has not been reported in the literature in individuals with a PDLIM3-related disease. This sequence change replaces valine with methionine at codon 260 of the PDLIM3 protein (p.Val260Met). The valine residue is highly conserved and there is a small physicochemical difference between valine and methionine.

NM_014476.6(PDLIM3):c.778G>A (p.Val260Met)

Gene: PDLIM3 (PDZ and LIM domain 3; minus strand). Cytogenetic location: 4q35.1.
Variant type: single nucleotide variant.
Coding change: c.778G>A on transcript NM_014476.6 (MANE Select); coding-DNA position 778, G replaced by A.
Protein change: p.Val260Met; replaces valine 260 with methionine.
Molecular consequence: missense variant. On other transcripts: non-coding transcript variant (1).
Genome position (GRCh38, 1-based): chr4:185,506,537, C>T on the plus strand (G>A on the coding strand, the complement: PDLIM3 is on the minus strand). VCF-style: chr4-185506537-C-T. GRCh37 (hg19) VCF-style: chr4-186427691-C-T.
Other names: c.634G>A, p.Val212Met (NM_001114107.5); c.514G>A, p.Val172Met (NM_001257962.2); c.277G>A, p.Val93Met (NM_001257963.2); short protein forms V260M, V172M, V93M, V212M.
Identifiers: ClinVar variation 240916 (VCV000240916.12), dbSNP rs878854983, ClinGen allele CA10582223.